The following is an entry in ClinVar:

ClinVar aggregate classification (germline): Uncertain significance. Review status: criteria provided, multiple submitters, no conflicts (2 of 4 stars). 2 submissions from 2 submitters: Uncertain significance (2). Last evaluated 2025-08-26.

Conditions:
Cardiovascular phenotype. Identifiers: MedGen CN230736.
Catecholaminergic polymorphic ventricular tachycardia 1. Also called: VENTRICULAR TACHYCARDIA, CATECHOLAMINERGIC POLYMORPHIC, 1, WITH OR WITHOUT ATRIAL DYSFUNCTION AND/OR DILATED CARDIOMYOPATHY; VENTRICULAR TACHYCARDIA, STRESS-INDUCED POLYMORPHIC 1; RYR2-Related Catecholaminergic Polymorphic Ventricular Tachycardia. Identifiers: Orphanet 3286, MedGen C1631597, MONDO:0011484, OMIM 604772.

Allele frequency attached by ClinVar (database versions not stated): gnomAD exomes below 0.00001.
gnomAD v4.1: 6 of 1,611,886 alleles (0.00037%); highest among the groups gnomAD compares: Non-Finnish European, 0.00051%; no homozygotes.

Submissions (2):

Labcorp Genetics (formerly Invitae), Labcorp
Classification: Uncertain significance for Catecholaminergic polymorphic ventricular tachycardia 1. Last evaluated: 2025-08-26. Review status: criteria provided, single submitter. Criteria: Invitae Variant Classification Sherloc (09022015). Collection method: clinical testing. Allele origin: germline.
Comment: This sequence change replaces alanine, which is neutral and non-polar, with serine, which is neutral and polar, at codon 3555 of the RYR2 protein (p.Ala3555Ser). This variant is not present in population databases (gnomAD no frequency). This variant has not been reported in the literature in individuals affected with RYR2-related conditions. ClinVar contains an entry for this variant (Variation ID: 1781721). Invitae Evidence Modeling of protein sequence and biophysical properties (such as structural, functional, and spatial information, amino acid conservation, physicochemical variation, residue mobility, and thermodynamic stability) indicates that this missense variant is not expected to disrupt RYR2 protein function with a negative predictive value of 95%. In summary, the available evidence is currently insufficient to determine the role of this variant in disease. Therefore, it has been classified as a Variant of Uncertain Significance.

Ambry Genetics
Classification: Uncertain significance for Cardiovascular phenotype. Last evaluated: 2019-09-11. Review status: criteria provided, single submitter. Criteria: Ambry Variant Classification Scheme 2023. Collection method: clinical testing. Allele origin: germline.
Comment: The p.A3555S variant (also known as c.10663G>T), located in coding exon 74 of the RYR2 gene, results from a G to T substitution at nucleotide position 10663. The alanine at codon 3555 is replaced by serine, an amino acid with similar properties. This amino acid position is well conserved in available vertebrate species; however, serine is the reference amino acid in other vertebrate species. In addition, the in silico prediction for this alteration is inconclusive. Since supporting evidence is limited at this time, the clinical significance of this alteration remains unclear.

NM_001035.3(RYR2):c.10663G>T (p.Ala3555Ser)

Gene: RYR2 (ryanodine receptor 2; plus strand). Cytogenetic location: 1q43.
Variant type: single nucleotide variant.
Coding change: c.10663G>T on transcript NM_001035.3 (MANE Select); coding-DNA position 10663, G replaced by T.
Protein change: p.Ala3555Ser; replaces alanine 3555 with serine.
Molecular consequence: missense variant.
Genome position (GRCh38, 1-based): chr1:237,723,236, G>T. VCF-style: chr1-237723236-G-T. GRCh37 (hg19) VCF-style: chr1-237886536-G-T.
Other names: short protein forms A3555S.
Identifiers: ClinVar variation 1781721 (VCV001781721.3), dbSNP rs1689900582, ClinGen allele CA345416203.